The following is an entry in ClinVar:

NM_001290187.2(KRABD3):c.248G>C (p.Gly83Ala)

Gene: KRABD3 (KRAB domain containing 3; plus strand). Cytogenetic location: 7q36.1.
Variant type: single nucleotide variant.
Coding change: c.248G>C on transcript NM_001290187.2 (MANE Select); coding-DNA position 248, G replaced by C.
Protein change: p.Gly83Ala; replaces glycine 83 with alanine.
Molecular consequence: missense variant. On other transcripts: non-coding transcript variant (1).
Genome position (GRCh38, 1-based): chr7:149,720,116, G>C. VCF-style: chr7-149720116-G-C. GRCh37 (hg19) VCF-style: chr7-149417207-G-C.
Other names: c.248G>C, p.Gly83Ala (NM_001394487.1, NM_001394489.1, NM_001394478.1 and 3 more transcripts); c.98G>C, p.Gly33Ala (NM_001394488.1); c.203G>C, p.Gly68Ala (NM_001394490.1, NM_001394493.1, NM_001394480.1 and 1 more transcripts); c.314G>C, p.Gly105Ala (NM_001394491.1); c.143G>C, p.Gly48Ala (NM_001394492.1, NM_032534.4, NM_001394482.1 and 2 more transcripts); short protein forms G105A, G33A, G48A, G68A, G83A.
Identifiers: ClinVar variation 2658145 (VCV002658145.24), dbSNP rs140821593, ClinGen allele CA4553501.

ClinVar aggregate classification (germline): Likely benign (1 of 4 stars; one submission).

Allele frequency attached by ClinVar (database versions not stated): 1000 Genomes Project 30x 0.00265; gnomAD exomes 0.00269; 1000 Genomes Project 0.00300; TOPMed 0.00179; gnomAD 0.00186; ESP Exome Variant Server 0.00211; ExAC 0.00223.
gnomAD v4.1: 4,066 of 1,551,920 alleles (0.26%); highest among the groups gnomAD compares: Middle Eastern, 0.57%; 12 homozygotes.

Submission:

CeGaT Center for Human Genetics Tuebingen
Classification: Likely benign. Last evaluated: 2022-11-01. Review status: criteria provided, single submitter. Criteria: CeGaT Center For Human Genetics Tuebingen Variant Classification Criteria Version 2. Collection method: clinical testing. Allele origin: germline. Affected: yes. Observed: 1 variant allele.
Comment: KRABD3: BP4, BS2